The following is an entry in ClinVar:

ClinVar aggregate classification (germline): Uncertain significance. Review status: criteria provided, multiple submitters, no conflicts (2 of 4 stars). 3 submissions from 3 submitters: Uncertain significance (3). Last evaluated 2021-10-06.

Conditions:
Inborn genetic diseases. Identifiers: MedGen C0950123, MeSH D030342.
Fraser syndrome 1 (FRASRS1). Also called: CRYPTOPHTHALMOS WITH OTHER MALFORMATIONS. Identifiers: Orphanet 2052, MedGen C4551480, MONDO:0054737, OMIM 219000.

Allele frequency attached by ClinVar (database versions not stated): gnomAD 0.00001; TOPMed 0.00003.
gnomAD v4.1: 2 of 1,613,808 alleles (0.00012%); highest among the groups gnomAD compares: Admixed American, 0.0033%; no homozygotes.

Submissions (3):

Ambry Genetics
Classification: Uncertain significance for Inborn genetic diseases. Last evaluated: 2021-10-06. Review status: criteria provided, single submitter. Criteria: Ambry Variant Classification Scheme 2023. Collection method: clinical testing. Allele origin: germline.

Fulgent Genetics
Classification: Uncertain significance for Fraser syndrome 1. Last evaluated: 2021-09-20. Review status: criteria provided, single submitter. Criteria: ACMG Guidelines, 2015. Collection method: clinical testing. Allele origin: unknown.

Labcorp Genetics (formerly Invitae), Labcorp
Classification: Uncertain significance. Last evaluated: 2021-08-30. Review status: criteria provided, single submitter. Criteria: Invitae Variant Classification Sherloc (09022015). Collection method: clinical testing. Allele origin: germline.
Comment: This sequence change replaces glutamic acid with lysine at codon 2566 of the FRAS1 protein (p.Glu2566Lys). The glutamic acid residue is highly conserved and there is a small physicochemical difference between glutamic acid and lysine. This variant is not present in population databases (ExAC no frequency). This variant has not been reported in the literature in individuals affected with FRAS1-related conditions. Algorithms developed to predict the effect of missense changes on protein structure and function (SIFT, PolyPhen-2, Align-GVGD) all suggest that this variant is likely to be disruptive. In summary, the available evidence is currently insufficient to determine the role of this variant in disease. Therefore, it has been classified as a Variant of Uncertain Significance.

NM_025074.7(FRAS1):c.7696G>A (p.Glu2566Lys)

Gene: FRAS1 (Fraser extracellular matrix complex subunit 1; plus strand). Cytogenetic location: 4q21.21.
Variant type: single nucleotide variant.
Coding change: c.7696G>A on transcript NM_025074.7 (MANE Select); coding-DNA position 7696, G replaced by A.
Protein change: p.Glu2566Lys; replaces glutamic acid 2566 with lysine.
Molecular consequence: missense variant.
Genome position (GRCh38, 1-based): chr4:78,475,451, G>A. VCF-style: chr4-78475451-G-A. GRCh37 (hg19) VCF-style: chr4-79396605-G-A.
Other names: c.7696G>A (NM_025074.6); short protein forms E2566K.
Identifiers: ClinVar variation 1421677 (VCV001421677.5), dbSNP rs1719826004, ClinGen allele CA357370914.